The following is an entry in ClinVar:

NM_001378778.1(MPDZ):c.5897del (p.Ser1966fs)

Gene: MPDZ (multiple PDZ domain crumbs cell polarity complex component; minus strand). Cytogenetic location: 9p23.
Variant type: Deletion.
Coding change: c.5897del on transcript NM_001378778.1 (MANE Select); coding-DNA position 5897, one base deleted (C; older notation c.5897delC).
Protein change: p.Ser1966fs; shifts the reading frame from serine 1966.
Molecular consequence: frameshift variant.
Genome position (GRCh38, 1-based): chr9:13,109,997, G deleted on the plus strand (C on the coding strand, the reverse complement: MPDZ is on the minus strand). VCF-style (leftmost placement, unchanged base first): chr9-13109996-AG-A. GRCh37 (hg19) VCF-style: chr9-13109995-AG-A.
Other names: c.5798del, p.Ser1933fs (NM_001261406.2, NM_001375416.1, NM_001375417.1 and 1 more transcripts); c.5711del, p.Ser1904fs (NM_001261407.2, NM_001375419.1); c.5897del, p.Ser1966fs (NM_001330637.2); c.5996del, p.Ser1999fs (NM_001375413.1); c.5687del, p.Ser1896fs (NM_001375420.1, NM_001375421.1, NM_001375422.1 and 2 more transcripts); c.5600del, p.Ser1867fs (NM_001375425.1, NM_001375426.1); c.5489del, p.Ser1830fs (NM_001375427.1); c.5810del, p.Ser1937fs (NM_003829.5); and 1 more; short protein forms S1830fs, S1867fs, S1896fs, S1904fs, S1933fs, S1937fs, S1966fs, S1999fs.
Identifiers: ClinVar variation 4803681 (VCV004803681.2).

ClinVar aggregate classification (germline): Pathogenic/Likely pathogenic. Review status: criteria provided, multiple submitters, no conflicts (2 of 4 stars). 2 submissions from 2 submitters: Pathogenic (1); Likely pathogenic (1). Last evaluated 2025-08-23.

Conditions:
Hydrocephalus, nonsyndromic, autosomal recessive 2. Also called: Hydrocephalus, congenital, 2, with or without brain or eye anomalies. Identifiers: Orphanet 2185, MedGen C3554691, MONDO:0014085, OMIM 615219.

Submissions (2):

Labcorp Genetics (formerly Invitae), Labcorp
Classification: Pathogenic. Last evaluated: 2025-08-23. Review status: criteria provided, single submitter. Criteria: Invitae Variant Classification Sherloc (09022015). Collection method: clinical testing. Allele origin: germline.
Comment: This sequence change creates a premature translational stop signal (p.Ser1937Phefs*5) in the MPDZ gene. It is expected to result in an absent or disrupted protein product. Loss-of-function variants in MPDZ are known to be pathogenic (PMID: 23240096, 28556411). This variant is not present in population databases (gnomAD no frequency). This variant has not been reported in the literature in individuals affected with MPDZ-related conditions. For these reasons, this variant has been classified as Pathogenic.

First Genomix Gene Laboratory, Genetic Diagnostics Department
Classification: Likely pathogenic for Hydrocephalus, nonsyndromic, autosomal recessive 2. Last evaluated: 2025-03-26. Review status: criteria provided, single submitter. Criteria: ACMG Guidelines, 2015. Collection method: clinical testing. Allele origin: germline. Inheritance: Autosomal recessive inheritance. Affected: no. Observed: 1 variant allele.

Literature cited by the submitters: PubMed 23240096 (cited by Labcorp Genetics (formerly Invitae), Labcorp); PubMed 28556411 (cited by Labcorp Genetics (formerly Invitae), Labcorp).